The following is an entry in ClinVar:

ClinVar aggregate classification (germline): Likely pathogenic (1 of 4 stars; one submission).

Conditions:
Primary dilated cardiomyopathy (DCM). Also called: Dilated Cardiomyopathy. Identifiers: Orphanet 217604, MedGen C0007193, MeSH D002311, MONDO:0005021, HP:0001644. Inheritance: Various modes of inheritance.

Submission:

Laboratory for Molecular Medicine, Mass General Brigham Personalized Medicine
Classification: Likely pathogenic for Primary dilated cardiomyopathy. Last evaluated: 2014-06-19. Review status: criteria provided, single submitter. Criteria: LMM Criteria. Collection method: clinical testing. Allele origin: germline. Inheritance: Autosomal dominant inheritance. Observed: 1 variant allele.
Comment: The Tyr26605fs variant in TTN has not been previously reported in individuals wi th cardiomyopathy. Data from large population studies is insufficient to assess the frequency of this variant. This frameshift variant is predicted to alter the protein?s amino acid sequence beginning at position 26605 and lead to a prematu re termination codon 24 amino acids downstream. This alteration is then predicte d to lead to a truncated or absent protein. Frameshift and other truncating vari ants in TTN are strongly associated with DCM and the majority occur in exons enc oding for the A-band region of the protein (Herman 2012, Pugh 2014), where this variant is located. In summary, this variant is likely to be pathogenic, though additional studies are required to fully establish its clinical significance.

Literature cited by the submitters: PubMed 22335739.

NM_001267550.2(TTN):c.87516del (p.Tyr29173fs)

Genes: TTN-AS1 (TTN antisense RNA 1; plus strand), TTN (titin; minus strand). Cytogenetic location: 2q31.2.
Variant type: Deletion.
Coding change: c.87516del on transcript NM_001267550.2 (MANE Select); coding-DNA position 87516, one base deleted (C; older notation c.87516delC).
Protein change: p.Tyr29173fs; shifts the reading frame from tyrosine 29173.
Molecular consequence: frameshift variant.
Genome position (GRCh38, 1-based): chr2:178,557,838, G deleted on the plus strand (C on the coding strand, the reverse complement: TTN is on the minus strand). VCF-style (leftmost placement, unchanged base first): chr2-178557837-AG-A. GRCh37 (hg19) VCF-style: chr2-179422564-AG-A.
Other names: c.79812delC (NM_133378.4); c.82593del, p.Tyr27532fs (NM_001256850.1); c.60321del, p.Tyr20108fs (NM_003319.4); c.79812del, p.Tyr26605fs (NM_133378.4); c.60696del, p.Tyr20233fs (NM_133432.3); c.60897del, p.Tyr20300fs (NM_133437.4); short protein forms Y20233fs, Y20300fs, Y29173fs, Y20108fs, Y26605fs, Y27532fs.
Identifiers: ClinVar variation 165770 (VCV000165770.5), dbSNP rs727503552, ClinGen allele CA273252.